The following is an entry in ClinVar:

ClinVar aggregate classification (germline): Uncertain significance (1 of 4 stars; one submission).

Conditions:
T-B+ severe combined immunodeficiency due to JAK3 deficiency. Also called: SCID, T CELL-NEGATIVE, B CELL-POSITIVE, NK CELL-NEGATIVE; SCID, autosomal recessive, T-negative/B-positive type. Identifiers: Orphanet 35078, MedGen C1833275, MONDO:0010938, OMIM 600802.

Submission:

Labcorp Genetics (formerly Invitae), Labcorp
Classification: Uncertain significance for T-B+ severe combined immunodeficiency due to JAK3 deficiency. Last evaluated: 2023-10-03. Review status: criteria provided, single submitter. Criteria: Invitae Variant Classification Sherloc (09022015). Collection method: clinical testing. Allele origin: germline.
Comment: This sequence change replaces serine, which is neutral and polar, with tryptophan, which is neutral and slightly polar, at codon 580 of the JAK3 protein (p.Ser580Trp). This variant is not present in population databases (gnomAD no frequency). This variant has not been reported in the literature in individuals affected with JAK3-related conditions. ClinVar contains an entry for this variant (Variation ID: 1362550). Advanced modeling of protein sequence and biophysical properties (such as structural, functional, and spatial information, amino acid conservation, physicochemical variation, residue mobility, and thermodynamic stability) performed at Invitae indicates that this missense variant is expected to disrupt JAK3 protein function. In summary, the available evidence is currently insufficient to determine the role of this variant in disease. Therefore, it has been classified as a Variant of Uncertain Significance.

NM_000215.4(JAK3):c.1739C>G (p.Ser580Trp)

Gene: JAK3 (Janus kinase 3; minus strand). Cytogenetic location: 19p13.11.
Variant type: single nucleotide variant.
Coding change: c.1739C>G on transcript NM_000215.4 (MANE Select); coding-DNA position 1739, C replaced by G.
Protein change: p.Ser580Trp; replaces serine 580 with tryptophan.
Molecular consequence: missense variant.
Genome position (GRCh38, 1-based): chr19:17,837,176, G>C on the plus strand (C>G on the coding strand, the complement: JAK3 is on the minus strand). VCF-style: chr19-17837176-G-C. GRCh37 (hg19) VCF-style: chr19-17947985-G-C.
Other names: short protein forms S580W.
Identifiers: ClinVar variation 1362550 (VCV001362550.6), dbSNP rs587778414, ClinGen allele CA404769159.